The following is an entry in ClinVar:

ClinVar aggregate classification (germline): Uncertain significance. Review status: criteria provided, multiple submitters, no conflicts (2 of 4 stars). 2 submissions from 2 submitters: Uncertain significance (2). Last evaluated 2025-05-07.

Allele frequency attached by ClinVar (database versions not stated): ExAC below 0.00001; gnomAD 0.00001 and 0.00016; gnomAD exomes 0.00001; TOPMed 0.00017.
gnomAD v4.1: 26 of 1,564,532 alleles (0.0017%); highest among the groups gnomAD compares: East Asian, 0.0024%; no homozygotes.

Submissions (2):

GeneDx
Classification: Uncertain significance. Last evaluated: 2025-05-07. Review status: criteria provided, single submitter. Criteria: GeneDx Variant Classification Process June 2021. Collection method: clinical testing. Allele origin: germline. Affected: yes.
Comment: Not observed at significant frequency in large population cohorts (gnomAD); In silico analysis supports that this missense variant has a deleterious effect on protein structure/function; Has not been previously published as pathogenic or benign to our knowledge

Labcorp Genetics (formerly Invitae), Labcorp
Classification: Uncertain significance. Last evaluated: 2020-04-23. Review status: criteria provided, single submitter. Criteria: Invitae Variant Classification Sherloc (09022015). Collection method: clinical testing. Allele origin: germline.
Comment: This sequence change replaces proline with serine at codon 344 of the GDF1 protein (p.Pro344Ser). The proline residue is highly conserved and there is a moderate physicochemical difference between proline and serine. The frequency data for this variant in the population databases is considered unreliable, as metrics indicate poor data quality at this position in the ExAC database. This variant has not been reported in the literature in individuals with GDF1-related disease. Algorithms developed to predict the effect of missense changes on protein structure and function (SIFT, PolyPhen-2, Align-GVGD) all suggest that this variant is likely to be disruptive, but these predictions have not been confirmed by published functional studies and their clinical significance is uncertain. In summary, the available evidence is currently insufficient to determine the role of this variant in disease. Therefore, it has been classified as a Variant of Uncertain Significance.

NM_001492.6(GDF1):c.1030C>T (p.Pro344Ser)

Genes: CERS1 (ceramide synthase 1; minus strand), GDF1 (growth differentiation factor 1; minus strand). Cytogenetic location: 19p13.11.
Variant type: single nucleotide variant.
Coding change: c.1030C>T on transcript NM_001492.6 (MANE Select); coding-DNA position 1030, C replaced by T.
Protein change: p.Pro344Ser; replaces proline 344 with serine.
Molecular consequence: missense variant. On other transcripts: 3 prime UTR variant (2).
Genome position (GRCh38, 1-based): chr19:18,868,686, G>A on the plus strand (C>T on the coding strand, the complement: GDF1 is on the minus strand). VCF-style: chr19-18868686-G-A. GRCh37 (hg19) VCF-style: chr19-18979495-G-A.
Other names: c.*1891C>T (NM_001387440.1); c.*1299C>T (NM_021267.5); c.1030C>T, p.Pro344Ser (NM_001387438.1); short protein forms P344S.
Identifiers: ClinVar variation 659753 (VCV000659753.11), dbSNP rs779492558, ClinGen allele CA9317904.